The following is an entry in ClinVar:

NM_020631.6(PLEKHG5):c.559G>A (p.Ala187Thr)

Gene: PLEKHG5 (pleckstrin homology and RhoGEF domain containing G5; minus strand). Cytogenetic location: 1p36.31.
Variant type: single nucleotide variant.
Coding change: c.559G>A on transcript NM_020631.6 (MANE Select); coding-DNA position 559, G replaced by A.
Protein change: p.Ala187Thr; replaces alanine 187 with threonine.
Molecular consequence: missense variant.
Genome position (GRCh38, 1-based): chr1:6,474,045, C>T on the plus strand (G>A on the coding strand, the complement: PLEKHG5 is on the minus strand). VCF-style: chr1-6474045-C-T. GRCh37 (hg19) VCF-style: chr1-6534105-C-T.
Other names: c.670G>A, p.Ala224Thr (NM_001042663.3, NM_001265592.2); c.559G>A, p.Ala187Thr (NM_001042664.2, NM_001042665.2, NM_001265594.3 and 1 more transcripts); c.766G>A, p.Ala256Thr (NM_001265593.2); c.559G>A (NM_020631.4); short protein forms A187T, A224T, A256T.
Identifiers: ClinVar variation 1022521 (VCV001022521.8), dbSNP rs199503669, ClinGen allele CA561809.

ClinVar aggregate classification (germline): Uncertain significance. Review status: criteria provided, multiple submitters, no conflicts (2 of 4 stars). 4 submissions from 4 submitters: Uncertain significance (4). Last evaluated 2025-11-03.

Conditions:
Inborn genetic diseases. Identifiers: MedGen C0950123, MeSH D030342.
PLEKHG5-related disorder. Also called: PLEKHG5-related condition.
Charcot-Marie-Tooth disease recessive intermediate C. Also called: CHARCOT-MARIE-TOOTH NEUROPATHY, RECESSIVE INTERMEDIATE C. Identifiers: Orphanet 369867, MedGen C3809309, MONDO:0014154, OMIM 615376.
Neuronopathy, distal hereditary motor, autosomal recessive 4. Also called: Autosomal recessive lower motor neuron disease with childhood onset; NEUROPATHY, DISTAL HEREDITARY MOTOR, AUTOSOMAL RECESSIVE 4. Identifiers: Orphanet 206580, MedGen C1970211, MONDO:0012608, OMIM 611067.

Allele frequency attached by ClinVar (database versions not stated): TOPMed 0.00007; ESP Exome Variant Server 0.00008; 1000 Genomes Project 30x 0.00031.
gnomAD v4.1: 60 of 1,468,008 alleles (0.0041%); highest among the groups gnomAD compares: Admixed American, 0.038%; no homozygotes.

Submissions (4):

PreventionGenetics, part of Exact Sciences
Classification: Uncertain significance for PLEKHG5-related condition. Last evaluated: 2025-11-03. Review status: criteria provided, single submitter. Criteria: ACMG Guidelines, 2015. Collection method: clinical testing. Allele origin: germline.
Comment: The PLEKHG5 c.559G>A variant is predicted to result in the amino acid substitution p.Ala187Thr. To our knowledge, this variant has not been reported in the literature. This variant is reported in 0.043% of alleles in individuals of Latino descent in gnomAD. At this time, the clinical significance of this variant is uncertain due to the absence of conclusive functional and genetic evidence.

Women's Health and Genetics/Laboratory Corporation of America, LabCorp
Classification: Uncertain significance. Last evaluated: 2025-02-05. Review status: criteria provided, single submitter. Criteria: LabCorp Variant Classification Summary - May 2015. Collection method: clinical testing. Allele origin: germline.
Comment: Variant summary: PLEKHG5 c.559G>A (p.Ala187Thr) results in a non-conservative amino acid change in the encoded protein sequence. Three of four in-silico tools predict a benign effect of the variant on protein function. The variant allele was found at a frequency of 0.0001 in 240942 control chromosomes. This frequency is not significantly higher than estimated for a pathogenic variant in PLEKHG5 causing Distal Spinal Muscular Atrophy, Autosomal Recessive 4 (0.0001 vs 0.0011), allowing no conclusion about variant significance. To our knowledge, no occurrence of c.559G>A in individuals affected with Distal Spinal Muscular Atrophy, Autosomal Recessive 4 and no experimental evidence demonstrating its impact on protein function have been reported. ClinVar contains an entry for this variant (Variation ID: 1022521). Based on the evidence outlined above, the variant was classified as uncertain significance.

Labcorp Genetics (formerly Invitae), Labcorp
Classification: Uncertain significance for Neuronopathy, distal hereditary motor, autosomal recessive 4; Charcot-Marie-Tooth disease recessive intermediate C. Last evaluated: 2024-10-24. Review status: criteria provided, single submitter. Criteria: Invitae Variant Classification Sherloc (09022015). Collection method: clinical testing. Allele origin: germline.
Comment: This sequence change replaces alanine, which is neutral and non-polar, with threonine, which is neutral and polar, at codon 187 of the PLEKHG5 protein (p.Ala187Thr). The frequency data for this variant in the population databases is considered unreliable, as metrics indicate poor data quality at this position in the gnomAD database. This variant has not been reported in the literature in individuals affected with PLEKHG5-related conditions. ClinVar contains an entry for this variant (Variation ID: 1022521). An algorithm developed to predict the effect of missense changes on protein structure and function (PolyPhen-2) suggests that this variant¬¨‚Ä†is likely to be tolerated. In summary, the available evidence is currently insufficient to determine the role of this variant in disease. Therefore, it has been classified as a Variant of Uncertain Significance.

Ambry Genetics
Classification: Uncertain significance for Inborn genetic diseases. Last evaluated: 2024-02-26. Review status: criteria provided, single submitter. Criteria: Ambry Variant Classification Scheme 2023. Collection method: clinical testing. Allele origin: germline.